The following is an entry in ClinVar:

NM_198506.5(LRIT3):c.1658G>A (p.Cys553Tyr)

Gene: LRIT3 (leucine rich repeat, Ig-like and transmembrane domains 3; plus strand). Cytogenetic location: 4q25.
Variant type: single nucleotide variant.
Coding change: c.1658G>A on transcript NM_198506.5 (MANE Select); coding-DNA position 1658, G replaced by A.
Protein change: p.Cys553Tyr; replaces cysteine 553 with tyrosine.
Molecular consequence: missense variant.
Genome position (GRCh38, 1-based): chr4:109,870,407, G>A. VCF-style: chr4-109870407-G-A. GRCh37 (hg19) VCF-style: chr4-110791563-G-A.
Other names: c.1523G>A (NM_198506.2); short protein forms C553Y.
Identifiers: ClinVar variation 1941829 (VCV001941829.7), dbSNP rs551139098, ClinGen allele CA357872409.

ClinVar aggregate classification (germline): Uncertain significance. Review status: criteria provided, multiple submitters, no conflicts (2 of 4 stars). 3 submissions from 3 submitters: Uncertain significance (3). Last evaluated 2025-11-02.

Conditions:
Inborn genetic diseases. Identifiers: MedGen C0950123, MeSH D030342.

Allele frequency attached by ClinVar (database versions not stated): gnomAD 0.00003.
gnomAD v4.1: 10 of 1,614,022 alleles (0.00062%); highest among the groups gnomAD compares: Middle Eastern, 0.033%; no homozygotes.

Submissions (3):

Ambry Genetics
Classification: Uncertain significance for Inborn genetic diseases. Last evaluated: 2025-11-02. Review status: criteria provided, single submitter. Criteria: Ambry Variant Classification Scheme 2023. Collection method: clinical testing. Allele origin: germline.

Labcorp Genetics (formerly Invitae), Labcorp
Classification: Uncertain significance. Last evaluated: 2022-07-10. Review status: criteria provided, single submitter. Criteria: Invitae Variant Classification Sherloc (09022015). Collection method: clinical testing. Allele origin: germline.
Comment: In summary, the available evidence is currently insufficient to determine the role of this variant in disease. Therefore, it has been classified as a Variant of Uncertain Significance. Algorithms developed to predict the effect of missense changes on protein structure and function are either unavailable or do not agree on the potential impact of this missense change (SIFT: "Deleterious"; PolyPhen-2: "Probably Damaging"; Align-GVGD: "Class C0"). This variant has not been reported in the literature in individuals affected with LRIT3-related conditions. This variant is not present in population databases (gnomAD no frequency). This sequence change replaces cysteine, which is neutral and slightly polar, with tyrosine, which is neutral and polar, at codon 553 of the LRIT3 protein (p.Cys553Tyr).

Blueprint Genetics
Classification: Uncertain significance. Last evaluated: 2022-06-22. Review status: criteria provided, single submitter. Criteria: ACMG Guidelines, 2015. Collection method: clinical testing. Allele origin: germline.